The following is an entry in ClinVar:

ClinVar aggregate classification (germline): Uncertain significance. Review status: criteria provided, multiple submitters, no conflicts (2 of 4 stars). 3 submissions from 3 submitters: Uncertain significance (3). Last evaluated 2025-10-27.

Conditions:
Nephronophthisis 1 (NPHP1). Also called: Nephronophthisis familial juvenile. Identifiers: Orphanet 655, Orphanet 93592, MedGen C1855681, MONDO:0009728, OMIM 256100.
Senior-Loken syndrome 1 (SLSN1). Also called: JUVENILE NEPHRONOPHTHISIS WITH LEBER AMAUROSIS. Identifiers: Orphanet 3156, MedGen C4551559, MONDO:0009962, OMIM 266900.
Joubert syndrome with renal defect. Also called: JOUBERT SYNDROME 4. Identifiers: Orphanet 220497, MedGen C1846790, MONDO:0012308, OMIM 609583.
NPHP1-related disorder. Also called: NPHP1-related disorders; NPHP1-related condition.

gnomAD v4.1: 37 of 1,613,714 alleles (0.0023%); highest among the groups gnomAD compares: Non-Finnish European, 0.0028%; no homozygotes.

Submissions (3):

PreventionGenetics, part of Exact Sciences
Classification: Uncertain significance for NPHP1-related condition. Last evaluated: 2025-10-27. Review status: criteria provided, single submitter. Criteria: ACMG Guidelines, 2015. Collection method: clinical testing. Allele origin: germline.
Comment: The NPHP1 c.989G>A variant is predicted to result in the amino acid substitution p.Gly330Glu. To our knowledge, this variant has not been reported in the literature. This variant is reported in 0.00088% of alleles in individuals of European (Non-Finnish) descent in gnomAD. At this time, the clinical significance of this variant is uncertain due to the absence of conclusive functional and genetic evidence.

Fulgent Genetics
Classification: Uncertain significance for Nephronophthisis 1; Senior-Loken syndrome 1; Joubert syndrome with renal defect. Last evaluated: 2024-02-20. Review status: criteria provided, single submitter. Criteria: ACMG Guidelines, 2015. Collection method: clinical testing. Allele origin: germline.

Blueprint Genetics
Classification: Uncertain significance. Last evaluated: 2020-03-18. Review status: criteria provided, single submitter. Criteria: ACMG Guidelines, 2015. Collection method: clinical testing. Allele origin: germline.

NM_001128178.3(NPHP1):c.821G>A (p.Gly274Glu)

Gene: NPHP1 (nephrocystin 1; minus strand). Cytogenetic location: 2q13.
Variant type: single nucleotide variant.
Coding change: c.821G>A on transcript NM_001128178.3 (MANE Select); coding-DNA position 821, G replaced by A.
Protein change: p.Gly274Glu; replaces glycine 274 with glutamic acid.
Molecular consequence: missense variant.
Genome position (GRCh38, 1-based): chr2:110,163,086, C>T on the plus strand (G>A on the coding strand, the complement: NPHP1 is on the minus strand). VCF-style: chr2-110163086-C-T. GRCh37 (hg19) VCF-style: chr2-110920663-C-T.
Other names: c.989G>A (NM_000272.3, NM_000272.4); c.989G>A, p.Gly330Glu (NM_000272.5); c.632G>A, p.Gly211Glu (NM_001128179.3); c.818G>A, p.Gly273Glu (NM_001374256.1); c.821G>A, p.Gly274Glu (NM_001374257.1); c.986G>A, p.Gly329Glu (NM_207181.4); short protein forms G330E, G211E, G329E, G273E, G274E.
Identifiers: ClinVar variation 3584259 (VCV003584259.3).